The following is an entry in ClinVar:

ClinVar aggregate classification (germline): Uncertain significance. Review status: criteria provided, multiple submitters, no conflicts (2 of 4 stars). 4 submissions from 4 submitters: Uncertain significance (4). Last evaluated 2022-07-25.

Conditions:
Hereditary breast ovarian cancer syndrome. Also called: BRCA1- and BRCA2-Associated Hereditary Breast and Ovarian Cancer; Hereditary breast and/or ovarian cancer syndrome; Hereditary breast and ovarian cancer syndrome; Hereditary breast and ovarian cancer; Hereditary breast and ovarian cancer syndrome (HBOC); Breast and ovarian cancer. Identifiers: Orphanet 145, MedGen C0677776, MeSH D061325, MONDO:0003582. Disease mechanism: loss of function.
Hereditary cancer-predisposing syndrome. Also called: Hereditary neoplastic syndrome; Neoplastic Syndromes, Hereditary; Tumor predisposition; Hereditary Cancer Syndrome. Identifiers: Orphanet 140162, MedGen C0027672, MeSH D009386, MONDO:0015356.

Submissions (4):

Labcorp Genetics (formerly Invitae), Labcorp
Classification: Uncertain significance for Hereditary breast ovarian cancer syndrome. Last evaluated: 2022-07-25. Review status: criteria provided, single submitter. Criteria: Invitae Variant Classification Sherloc (09022015). Collection method: clinical testing. Allele origin: germline.
Comment: This variant, c.5192_5194del, results in the deletion of 1 amino acid(s) of the BRCA2 protein (p.His1731del), but otherwise preserves the integrity of the reading frame. This variant is not present in population databases (gnomAD no frequency). This variant has not been reported in the literature in individuals affected with BRCA2-related conditions. ClinVar contains an entry for this variant (Variation ID: 422140). Experimental studies and prediction algorithms are not available or were not evaluated, and the functional significance of this variant is currently unknown. In summary, the available evidence is currently insufficient to determine the role of this variant in disease. Therefore, it has been classified as a Variant of Uncertain Significance.

Color Diagnostics, LLC DBA Color Health
Classification: Uncertain significance for Hereditary cancer-predisposing syndrome. Last evaluated: 2020-10-12. Review status: criteria provided, single submitter. Criteria: ACMG Guidelines, 2015. Collection method: clinical testing. Allele origin: germline.
Comment: This variant is located in the BRCA2 protein. To our knowledge, functional studies have not been reported for this variant. This variant has not been reported in individuals affected with hereditary cancer in the literature. This variant has not been identified in the general population by the Genome Aggregation Database (gnomAD). The available evidence is insufficient to determine the role of this variant in disease conclusively. Therefore, this variant is classified as a Variant of Uncertain Significance.

Ambry Genetics
Classification: Uncertain significance for Hereditary cancer-predisposing syndrome. Last evaluated: 2019-11-12. Review status: criteria provided, single submitter. Criteria: Ambry Variant Classification Scheme 2023. Collection method: clinical testing. Allele origin: germline.
Comment: The c.5192_5194delATC variant (also known as p.H1731del) is located in coding exon 10 of the BRCA2 gene. This variant results from an in-frame ATC deletion at nucleotide positions 5192 to 5194. This results in the in-frame deletion of a histidine at codon 1731. This amino acid position is not well conserved in available vertebrate species. In addition, this alteration is predicted to be deleterious by in silico analysis (Choi Y et al. PLoS ONE. 2012; 7(10):e46688). Since supporting evidence is limited at this time, the clinical significance of this alteration remains unclear.

GeneDx
Classification: Uncertain significance. Last evaluated: 2016-08-30. Review status: criteria provided, single submitter. Criteria: GeneDx Variant Classification (06012015). Collection method: clinical testing. Allele origin: germline. Affected: yes.
Comment: This in-frame deletion of 3 nucleotides in BRCA2 is denoted c.5192_5194delATC at the cDNA level and p.His1731del (H1731del) at the protein level. Using alternate nomenclature, this variant would be defined as BRCA2 c.5420_5422delATC. The normal sequence, with the bases that are deleted in braces, is AATC[ATC]TCTC. This deletion of a single Histidine residue occurs at a position that is not conserved and is located in the RAD51 and POLH binding domains (Roy 2012, Buisson 2014). This variant has not, to our knowledge, been published in the literature as pathogenic or benign. Since in-frame deletions may or may not inhibit proper protein functioning, the clinical significance of this finding remains unclear at this time and we consider BRCA2 His1731del to be a variant of uncertain significance.

NM_000059.4(BRCA2):c.5189ATC[1] (p.His1731del)

Gene: BRCA2 (BRCA2 DNA repair associated; plus strand). Cytogenetic location: 13q13.1.
Variant type: Microsatellite.
Coding change: c.5189ATC[1] on transcript NM_000059.4 (MANE Select); one copy of the 3-base unit ATC starting at c.5189; the reference has two copies in a row; one copy, 3 bases deleted.
Protein change: p.His1731del; deletes histidine 1731.
Molecular consequence: inframe deletion.
Genome position (GRCh38, 1-based): chr13:32,339,547-32,339,549, ATC deleted; deleting any 3 consecutive bases within chr13:32,339,544-32,339,549 gives the same sequence; the position shown is the placement nearest the transcript's 3' end. VCF-style (leftmost placement, unchanged base first): chr13-32339543-AATC-A. GRCh37 (hg19) VCF-style: chr13-32913680-AATC-A.
Other names: c.5192_5194delATC (NM_000059.3); short protein forms H1731del.
Identifiers: ClinVar variation 422140 (VCV000422140.18), dbSNP rs1064795583, ClinGen allele CA16619721.